The following is an entry in ClinVar:

ClinVar aggregate classification (germline): Conflicting classifications of pathogenicity. Review status: criteria provided, conflicting classifications (1 of 4 stars). 2 submissions from 2 submitters: Uncertain significance (1); Likely benign (1). Last evaluated 2026-01-06.

Conditions:
Brugada syndrome. Also called: Sudden unexpected nocturnal death syndrome; Sudden unexplained nocturnal death syndrome; Sudden Unexplained Death Syndrome; Sudden Unexplained Nocturnal Death Syndrome (SUNDS). Identifiers: Orphanet 130, MedGen C1142166, MONDO:0015263.

Allele frequency attached by ClinVar (database versions not stated): gnomAD exomes 0.00023 and 0.00040; gnomAD 0.00025 and 0.00028; TOPMed 0.00031; 1000 Genomes Project 30x 0.00016; ExAC 0.00017; 1000 Genomes Project 0.00020; ESP Exome Variant Server 0.00023.
gnomAD v4.1: 605 of 1,576,078 alleles (0.038%); highest among the groups gnomAD compares: Non-Finnish European, 0.049%; no homozygotes.

Submissions (2):

Labcorp Genetics (formerly Invitae), Labcorp
Classification: Uncertain significance for Brugada syndrome. Last evaluated: 2026-01-06. Review status: criteria provided, single submitter. Criteria: Invitae Variant Classification Sherloc (09022015). Collection method: clinical testing. Allele origin: germline.
Comment: This sequence change replaces lysine, which is basic and polar, with arginine, which is basic and polar, at codon 647 of the SLMAP protein (p.Lys647Arg). This variant is present in population databases (rs150439110, gnomAD 0.04%), and has an allele count higher than expected for a pathogenic variant. This missense change has been observed in individual(s) with clinical features of Brugada syndrome (PMID: 30847666). ClinVar contains an entry for this variant (Variation ID: 411199). An algorithm developed to predict the effect of missense changes on protein structure and function (PolyPhen-2) suggests that this variant is likely to be tolerated. In summary, the available evidence is currently insufficient to determine the role of this variant in disease. Therefore, it has been classified as a Variant of Uncertain Significance.

Women's Health and Genetics/Laboratory Corporation of America, LabCorp
Classification: Likely benign. Last evaluated: 2024-06-04. Review status: criteria provided, single submitter. Criteria: LabCorp Variant Classification Summary - May 2015. Collection method: clinical testing. Allele origin: germline.
Comment: Variant summary: SLMAP c.1940A>G (p.Lys647Arg) results in a conservative amino acid change in the encoded protein sequence. Five of five in-silico tools predict a benign effect of the variant on protein function. The variant allele was found at a frequency of 0.00023 in 249910 control chromosomes. The observed variant frequency is approximately 40 fold of the estimated maximal expected allele frequency for a pathogenic variant in SLMAP causing Arrhythmia phenotype (6.3e-06). c.1940A>G has been reported in the literature in individuals affected with Brugada syndrome (van Lint_2019). These report(s) do not provide unequivocal conclusions about association of the variant with Arrhythmia. To our knowledge, no experimental evidence demonstrating an impact on protein function has been reported. The following publication have been ascertained in the context of this evaluation (PMID: 30847666). ClinVar contains an entry for this variant (Variation ID: 411199). Based on the evidence outlined above, the variant was classified as likely benign.

Literature cited by the submitters: PubMed 30847666 (cited by Labcorp Genetics (formerly Invitae), Labcorp and Women's Health and Genetics/Laboratory Corporation of America, LabCorp).

NM_001377540.1(SLMAP):c.2042A>G (p.Lys681Arg)

Gene: SLMAP (sarcolemma associated protein; plus strand). Cytogenetic location: 3p14.3.
Variant type: single nucleotide variant.
Coding change: c.2042A>G on transcript NM_001377540.1 (MANE Select); coding-DNA position 2042, A replaced by G.
Protein change: p.Lys681Arg; replaces lysine 681 with arginine.
Molecular consequence: missense variant. On other transcripts: non-coding transcript variant (1).
Genome position (GRCh38, 1-based): chr3:57,913,179, A>G. VCF-style: chr3-57913179-A-G. GRCh37 (hg19) VCF-style: chr3-57898906-A-G.
Other names: c.1991A>G, p.Lys664Arg (NM_001304420.3, NM_001377541.1, NM_001377542.1); c.1877A>G, p.Lys626Arg (NM_001304421.2, NM_001377557.1, NM_001377559.1); c.593A>G, p.Lys198Arg (NM_001304422.3, NM_001311178.2); c.395A>G, p.Lys132Arg (NM_001304423.3); c.470A>G, p.Lys157Arg (NM_001311179.2, NM_001377926.1, NM_001377927.1 and 1 more transcripts); c.2063A>G, p.Lys688Arg (NM_001377538.1); c.2042A>G, p.Lys681Arg (NM_001377539.1); c.1979A>G, p.Lys660Arg (NM_001377545.1); and 8 more; short protein forms K647R, K132R, K157R, K626R, K198R, K664R, K585R, K602R.
Identifiers: ClinVar variation 411199 (VCV000411199.6), dbSNP rs150439110, ClinGen allele CA2467286.